The following is an entry in ClinVar:

ClinVar aggregate classification (germline): Likely pathogenic (1 of 4 stars; one submission).

Submissions (2):

Labcorp Genetics (formerly Invitae), Labcorp
Classification: Likely pathogenic. Last evaluated: 2023-08-18. Review status: criteria provided, single submitter. Criteria: Invitae Variant Classification Sherloc (09022015). Collection method: clinical testing. Allele origin: germline.
Comment: This sequence change affects a donor splice site in intron 22 of the TBCD gene. It is expected to disrupt RNA splicing. Variants that disrupt the donor or acceptor splice site typically lead to a loss of protein function (PMID: 16199547), and loss-of-function variants in TBCD are known to be pathogenic (PMID: 27666370, 27666374). This variant is not present in population databases (gnomAD no frequency). This variant has not been reported in the literature in individuals affected with TBCD-related conditions. Algorithms developed to predict the effect of sequence changes on RNA splicing suggest that this variant may disrupt the consensus splice site. In summary, the currently available evidence indicates that the variant is pathogenic, but additional data are needed to prove that conclusively. Therefore, this variant has been classified as Likely Pathogenic.

Dr. Peter K. Rogan Lab, Western University
No classification provided (evidence only). Condition: Nonpapillary renal cell carcinoma. Review status: no classification provided. Collection method: in vitro. Allele origin: not applicable. Functional consequence: retained intron. Not counted in ClinVar's aggregate classification.

Literature cited by the submitters: PubMed 16199547 (cited by Labcorp Genetics (formerly Invitae), Labcorp); PubMed 27666370 (cited by Labcorp Genetics (formerly Invitae), Labcorp); PubMed 27666374 (cited by Labcorp Genetics (formerly Invitae), Labcorp).

NM_005993.5(TBCD):c.2006+2T>A

Gene: TBCD (tubulin folding cofactor D). Cytogenetic location: 17q25.3.
Variant type: single nucleotide variant.
Coding change: c.2006+2T>A on transcript NM_005993.5 (MANE Select); the canonical splice donor site of the intron after coding-DNA position 2006, T replaced by A.
Molecular consequence: splice donor variant.
Genome position (GRCh38, 1-based): chr17:82,909,309, T>A. VCF-style: chr17-82909309-T-A. GRCh37 (hg19) VCF-style: chr17-80867185-T-A.
Other names: c.1925+2T>A (NM_001411102.1); c.1955+2T>A (NM_001411101.1).
Identifiers: ClinVar variation 2753754 (VCV002753754.4), dbSNP rs2510369372, ClinGen allele CA401631751.
Genomic context (GRCh38, chr17:82,909,309, plus strand): 5'-TAAATCATTAAATAACTTTCAGTTTTTTATTTTCAGCTCTATGATCGTCAGTTATACAGG[T>A]GAGCTTTACAAAACCAAAGTTCTTATATCTGTGTCCTAATGAAGAACTGCGCTGTCAGGA-3'